The following is an entry in ClinVar:

NM_001379228.1(MRAP):c.324G>A (p.Ala108=)

Genes: MRAP (melanocortin 2 receptor accessory protein; plus strand), URB1 (URB1 ribosome biogenesis factor; minus strand). Cytogenetic location: 21q22.11.
Variant type: single nucleotide variant.
Coding change: c.324G>A on transcript NM_001379228.1 (MANE Select); coding-DNA position 324, G replaced by A.
Protein change: p.Ala108=; no amino-acid change (alanine 108 retained).
Molecular consequence: synonymous variant. On other transcripts: 3 prime UTR variant (1), intron variant (1).
Genome position (GRCh38, 1-based): chr21:32,311,801, G>A. VCF-style: chr21-32311801-G-A. GRCh37 (hg19) VCF-style: chr21-33684112-G-A.
Other names: c.147G>A, p.Ala49= (NM_001285394.2); c.324G>A, p.Ala108= (NM_178817.4); c.*3117C>T (NM_014825.3); c.207-2750G>A (NM_206898.2).
Identifiers: ClinVar variation 2652593 (VCV002652593.24), dbSNP rs374356072, ClinGen allele CA10001036.
Genomic context (GRCh38, chr21:32,311,801, plus strand): 5'-CTGCATCCAGAAGTGCCTGCCGTGCCACAGGGAACCCCTGGCAACCTCACAGGCTCAGGC[G>A]AGCTCAGTGGAGCCAGGGAGCAGAACTGGCCCTGACCAGCCGCTACGACAGGAGAGCTCC-3'
Protein context (NP_001366157.1, residues 98-118): REPLATSQAQ[Ala108=]SSVEPGSRTG

ClinVar aggregate classification (germline): Likely benign (1 of 4 stars; one submission).

Allele frequency attached by ClinVar (database versions not stated): ExAC 0.00003; TOPMed 0.00003; ESP Exome Variant Server 0.00008; gnomAD 0.00001; gnomAD exomes 0.00001.
gnomAD v4.1: 20 of 1,613,942 alleles (0.0012%); highest among the groups gnomAD compares: South Asian, 0.0022%; no homozygotes.

Submission:

CeGaT Center for Human Genetics Tuebingen
Classification: Likely benign. Last evaluated: 2023-04-01. Review status: criteria provided, single submitter. Criteria: CeGaT Center For Human Genetics Tuebingen Variant Classification Criteria Version 2. Collection method: clinical testing. Allele origin: germline. Affected: yes. Observed: 1 variant allele.
Comment: MRAP: BP4, BP7